The following is an entry in ClinVar:

NM_017950.4(CCDC40):c.2236-2del

Gene: CCDC40 (coiled-coil domain 40 molecular ruler complex subunit; plus strand). Cytogenetic location: 17q25.3.
Variant type: Deletion.
Coding change: c.2236-2del on transcript NM_017950.4 (MANE Select); the canonical splice acceptor site of the intron before coding-DNA position 2236, one base deleted (A; older notation c.2236-2delA).
Molecular consequence: splice acceptor variant.
Genome position (GRCh38, 1-based): chr17:80,086,001, A deleted. VCF-style (leftmost placement, unchanged base first): chr17-80086000-TA-T. GRCh37 (hg19) VCF-style: chr17-78059799-TA-T.
Other names: c.2236-2del (NM_001243342.2).
Identifiers: ClinVar variation 864022 (VCV000864022.9), dbSNP rs1336208372, ClinGen allele CA628018469.

ClinVar aggregate classification (germline): Pathogenic. Review status: criteria provided, multiple submitters, no conflicts (2 of 4 stars). 2 submissions from 2 submitters: Pathogenic (2). Last evaluated 2019-02-23.

Conditions:
Primary ciliary dyskinesia. Also called: Ciliary dyskinesia. Identifiers: Orphanet 244, MedGen C0008780, MONDO:0016575, HP:0012265.
Primary ciliary dyskinesia 15. Also called: CILIARY DYSKINESIA, PRIMARY, 15, WITH OR WITHOUT SITUS INVERSUS. Identifiers: Orphanet 244, MedGen C3151137, MONDO:0013435, OMIM 613808.

Allele frequency attached by ClinVar (database versions not stated): gnomAD exomes below 0.00001.

Submissions (2):

Labcorp Genetics (formerly Invitae), Labcorp
Classification: Pathogenic for Primary ciliary dyskinesia. Last evaluated: 2019-02-23. Review status: criteria provided, single submitter. Criteria: Invitae Variant Classification Sherloc (09022015). Collection method: clinical testing. Allele origin: germline.
Comment: This sequence change affects an acceptor splice site in intron 13 of the CCDC40 gene. It is expected to disrupt RNA splicing and likely results in an absent or disrupted protein product. This variant is not present in population databases (ExAC no frequency). Algorithms developed to predict the effect of sequence changes on RNA splicing suggest that this variant may disrupt the consensus splice site, but this prediction has not been confirmed by published transcriptional studies. Donor and acceptor splice site variants typically lead to a loss of protein function (PMID: 16199547), and loss-of-function variants in CCDC40 are known to be pathogenic (PMID: 21131974, 22693285, 23255504). For these reasons, this variant has been classified as Pathogenic.

Juno Genomics, Hangzhou Juno Genomics, Inc
Classification: Pathogenic for Primary ciliary dyskinesia 15. Review status: criteria provided, single submitter. Criteria: ACMG Guidelines, 2015. Collection method: clinical testing. Allele origin: germline. Affected: yes.
Comment: Absent from controls (or at extremely low frequency if recessive) in Genome Aggregation Database.;Null variant in a gene where loss of function (LOF) is a known mechanism of disease.;For recessive disorders, detected in trans with a pathogenic variant.;Patient's phenotype or family history is highly specific for a disease with a single genetic etiology.

Literature cited by the submitters: PubMed 16199547 (cited by Labcorp Genetics (formerly Invitae), Labcorp); PubMed 21131974 (cited by Labcorp Genetics (formerly Invitae), Labcorp); PubMed 22693285 (cited by Labcorp Genetics (formerly Invitae), Labcorp); PubMed 23255504 (cited by Labcorp Genetics (formerly Invitae), Labcorp).